The following is an entry in ClinVar:

NM_000719.7(CACNA1C):c.5022C>T (p.Thr1674=)

Genes: CACNA1C (calcium voltage-gated channel subunit alpha1 C; plus strand), CACNA1C-AS1 (CACNA1C antisense RNA 1; minus strand). Cytogenetic location: 12p13.33.
Variant type: single nucleotide variant.
Coding change: c.5022C>T on transcript NM_000719.7 (MANE Select); coding-DNA position 5022, C replaced by T.
Protein change: p.Thr1674=; no amino-acid change (threonine 1674 retained).
Molecular consequence: synonymous variant. On other transcripts: non-coding transcript variant (1).
Genome position (GRCh38, 1-based): chr12:2,677,798, C>T. VCF-style: chr12-2677798-C-T. GRCh37 (hg19) VCF-style: chr12-2786964-C-T.
Other names: c.5166C>T, p.Thr1722= (NM_001129827.2, NM_199460.4); c.5145C>T, p.Thr1715= (NM_001129829.2); c.5022C>T, p.Thr1674= (NM_001129830.3, NM_001129840.2, NM_001129841.2 and 4 more transcripts); c.5106C>T, p.Thr1702= (NM_001129831.2); c.5082C>T, p.Thr1694= (NM_001129832.2); c.5079C>T, p.Thr1693= (NM_001129833.2, NM_001129834.2, NM_001129835.2); c.5073C>T, p.Thr1691= (NM_001129836.2); c.5046C>T, p.Thr1682= (NM_001129837.2, NM_001129838.2); and 3 more.
Identifiers: ClinVar variation 416854 (VCV000416854.32), dbSNP rs372300407, ClinGen allele CA6389681.

ClinVar aggregate classification (germline): Likely benign. Review status: criteria provided, multiple submitters, no conflicts (2 of 4 stars). 5 submissions from 5 submitters: Likely benign (5). Last evaluated 2026-06-26.

Conditions:
Cardiovascular phenotype. Identifiers: MedGen CN230736.
Timothy syndrome (TS). Also called: LONG QT SYNDROME WITH SYNDACTYLY. Identifiers: Orphanet 65283, MedGen C1832916, MeSH C536962, MONDO:0010979, OMIM 601005.
Brugada syndrome 3 (BRGDA3). Identifiers: Orphanet 130, MedGen C2678478, MONDO:0012742, OMIM 611875.
Long QT syndrome 8. Identifiers: MedGen CN260585, MONDO:0032756, OMIM 618447.
CACNA1C-related disorder. Also called: CACNA1C-related disorders; CACNA1C-related condition. Identifiers: MedGen CN381092, MONDO:0700321.
Long QT syndrome (LQTS). Identifiers: MedGen C0023976, MeSH D008133, MONDO:0002442. Disease mechanism: loss of function. Inheritance: Various modes of inheritance.

Allele frequency attached by ClinVar (database versions not stated): gnomAD 0.00010 and 0.00009; gnomAD exomes 0.00002 and 0.00005; ESP Exome Variant Server 0.00008; ExAC 0.00007; TOPMed 0.00010.
gnomAD v4.1: 40 of 1,613,846 alleles (0.0025%); highest among the groups gnomAD compares: African/African-American, 0.031%; no homozygotes.

Submissions (6):

PreventionGenetics, part of Exact Sciences
Classification: Likely benign for CACNA1C-related condition. Last evaluated: 2026-06-26. Review status: criteria provided, single submitter. Criteria: ACMG Guidelines, 2015. Collection method: clinical testing. Allele origin: germline.
Comment: This variant is classified as likely benign based on ACMG/AMP sequence variant interpretation guidelines (Richards et al. 2015 PMID: 25741868, with internal and published modifications).

Labcorp Genetics (formerly Invitae), Labcorp
Classification: Likely benign for Long QT syndrome. Last evaluated: 2026-01-26. Review status: criteria provided, single submitter. Criteria: Invitae Variant Classification Sherloc (09022015). Collection method: clinical testing. Allele origin: germline.

Fulgent Genetics
Classification: Likely benign for Timothy syndrome; Brugada syndrome 3; Long QT syndrome 8. Last evaluated: 2021-08-03. Review status: criteria provided, single submitter. Criteria: ACMG Guidelines, 2015. Collection method: clinical testing. Allele origin: unknown.

GeneDx
Classification: Likely benign. Last evaluated: 2018-07-24. Review status: criteria provided, single submitter. Criteria: GeneDx Variant Classification Process June 2021. Collection method: clinical testing. Allele origin: germline. Affected: yes.

Ambry Genetics
Classification: Likely benign for Cardiovascular phenotype. Last evaluated: 2017-07-10. Review status: criteria provided, single submitter. Criteria: Ambry Variant Classification Scheme 2023. Collection method: clinical testing. Allele origin: germline.

Dr. Peter K. Rogan Lab, Western University
No classification provided (evidence only). Condition: Uterine carcinosarcoma. Review status: no classification provided. Collection method: in vitro. Allele origin: not applicable. Functional consequence: retained intron. Not counted in ClinVar's aggregate classification.